The following is an entry in ClinVar:

ClinVar aggregate classification (germline): Uncertain significance (1 of 4 stars; one submission).

gnomAD v4.1: 6 of 1,612,056 alleles (0.00037%); highest among the groups gnomAD compares: Admixed American, 0.0033%; no homozygotes.

Submission:

GeneDx
Classification: Uncertain significance. Last evaluated: 2024-03-26. Review status: criteria provided, single submitter. Criteria: GeneDx Variant Classification Process June 2021. Collection method: clinical testing. Allele origin: germline. Affected: yes.
Comment: Not observed at significant frequency in large population cohorts (gnomAD); In silico analysis supports that this missense variant has a deleterious effect on protein structure/function; Has not been previously published as pathogenic or benign to our knowledge

NM_020987.5(ANK3):c.2293A>G (p.Thr765Ala)

Gene: ANK3 (ankyrin 3; minus strand). Cytogenetic location: 10q21.2.
Variant type: single nucleotide variant.
Coding change: c.2293A>G on transcript NM_020987.5 (MANE Select); coding-DNA position 2293, A replaced by G.
Protein change: p.Thr765Ala; replaces threonine 765 with alanine.
Molecular consequence: missense variant.
Genome position (GRCh38, 1-based): chr10:60,172,989, T>C on the plus strand (A>G on the coding strand, the complement: ANK3 is on the minus strand). VCF-style: chr10-60172989-T-C. GRCh37 (hg19) VCF-style: chr10-61932747-T-C.
Other names: c.2275A>G, p.Thr759Ala (NM_001204403.2); c.2242A>G, p.Thr748Ala (NM_001204404.2); c.2293A>G, p.Thr765Ala (NM_001320874.2); short protein forms T748A, T759A, T765A.
Identifiers: ClinVar variation 3371696 (VCV003371696.1).
Genomic context (GRCh38, chr10:60,172,989, plus strand): 5'-TCTGAAGTAAGACATTTATTATATGCGTATGCCCCTGCTGTGCTGCTTGATGTAATGGCG[T>C]ATACCCATTCTGTAGAAGGAAGATGGAAGAGATGATTCTTAATTCCTTTGAAGCAAAAAT-3'
Protein context (NP_066267.2, residues 755-775): KVNAKTKNGY[Thr765Ala]PLHQAAQQGH